The following is an entry in ClinVar:

ClinVar aggregate classification (germline): Uncertain significance (1 of 4 stars; one submission).

Allele frequency attached by ClinVar (database versions not stated): ExAC 0.00001; gnomAD 0.00001; TOPMed 0.00001.
gnomAD v4.1: 1 of 1,614,094 alleles (0.000062%); highest among the groups gnomAD compares: African/African-American, 0.0013%; no homozygotes.

Submission:

Labcorp Genetics (formerly Invitae), Labcorp
Classification: Uncertain significance. Last evaluated: 2023-06-27. Review status: criteria provided, single submitter. Criteria: Invitae Variant Classification Sherloc (09022015). Collection method: clinical testing. Allele origin: germline.
Comment: This variant has not been reported in the literature in individuals affected with TRRAP-related conditions. In summary, the available evidence is currently insufficient to determine the role of this variant in disease. Therefore, it has been classified as a Variant of Uncertain Significance. Advanced modeling of protein sequence and biophysical properties (such as structural, functional, and spatial information, amino acid conservation, physicochemical variation, residue mobility, and thermodynamic stability) performed at Invitae indicates that this missense variant is not expected to disrupt TRRAP protein function. This variant is present in population databases (rs764121457, gnomAD 0.007%). This sequence change replaces isoleucine, which is neutral and non-polar, with methionine, which is neutral and non-polar, at codon 2566 of the TRRAP protein (p.Ile2566Met).

NM_001375524.1(TRRAP):c.7773T>G (p.Ile2591Met)

Gene: TRRAP (transformation/transcription domain associated protein; plus strand). Cytogenetic location: 7q22.1.
Variant type: single nucleotide variant.
Coding change: c.7773T>G on transcript NM_001375524.1 (MANE Select); coding-DNA position 7773, T replaced by G.
Protein change: p.Ile2591Met; replaces isoleucine 2591 with methionine.
Molecular consequence: missense variant.
Genome position (GRCh38, 1-based): chr7:98,971,879, T>G. VCF-style: chr7-98971879-T-G. GRCh37 (hg19) VCF-style: chr7-98569502-T-G.
Other names: c.7752T>G, p.Ile2584Met (NM_001244580.2); c.7698T>G, p.Ile2566Met (NM_003496.4); short protein forms I2566M, I2584M, I2591M.
Identifiers: ClinVar variation 2730816 (VCV002730816.3), dbSNP rs764121457, ClinGen allele CA4361233.
Genomic context (GRCh38, chr7:98,971,879, plus strand): 5'-ACTAGCTCCTGGGGATCAGACCAGCACGCCCAAAACCAAAGAACTTTCAGAAAAGGACAT[T>G]GGAAACCAGCTGCACATGCTAACCAACAGGCACGACAAGTTTCTGGACACTCTCCGAGAG-3'
Protein context (NP_001362453.1, residues 2581-2601): PKTKELSEKD[Ile2591Met]GNQLHMLTNR